The following is an entry in ClinVar:

ClinVar aggregate classification (germline): Pathogenic (1 of 4 stars; one submission).

Conditions:
Familial cancer of breast. Also called: BREAST CANCER, FAMILIAL; Hereditary breast cancer; hereditary breast carcinoma. Identifiers: Orphanet 227535, MedGen C0346153, MONDO:0016419, OMIM 114480. Disease mechanism: loss of function.

Submission:

Labcorp Genetics (formerly Invitae), Labcorp
Classification: Pathogenic for Familial cancer of breast. Last evaluated: 2022-09-29. Review status: criteria provided, single submitter. Criteria: Invitae Variant Classification Sherloc (09022015). Collection method: clinical testing. Allele origin: germline.
Comment: This variant is a gross deletion of the genomic region encompassing exon(s) 6 of the BARD1 gene. This deletion is out-of-frame, and is expected to create a premature termination codon and result in an absent or disrupted protein product. Loss-of-function variants in BARD1 are known to be pathogenic (PMID: 20077502, 21344236). This variant has not been reported in the literature in individuals affected with BARD1-related conditions. For these reasons, this variant has been classified as Pathogenic.

Literature cited by the submitters: PubMed 20077502; PubMed 21344236.

NC_000002.12:g.(?_214767472)_(214767664_?)del

Gene: BARD1 (BRCA1 associated RING domain 1; minus strand). Cytogenetic location: 2q35.
Variant type: Deletion.
Identifiers: ClinVar variation 831852 (VCV000831852.3).